The following is an entry in ClinVar:

NM_000245.4(MET):c.2265-29A>G

Gene: MET (MET proto-oncogene, receptor tyrosine kinase; plus strand). Cytogenetic location: 7q31.2.
Variant type: single nucleotide variant.
Coding change: c.2265-29A>G on transcript NM_000245.4 (MANE Select); 29 bases into the intron before coding-DNA position 2265, A replaced by G.
Molecular consequence: intron variant. On other transcripts: missense variant (1).
Genome position (GRCh38, 1-based): chr7:116,759,362, A>G. VCF-style: chr7-116759362-A-G. GRCh37 (hg19) VCF-style: chr7-116399416-A-G.
Other names: c.2290A>G, p.Ile764Val (NM_001127500.3); c.975-29A>G (NM_001324402.2); c.2265-29A>G (NM_001324401.3); short protein forms I764V.
Identifiers: ClinVar variation 2901952 (VCV002901952.4), dbSNP rs2116937133, ClinGen allele CA368981632.
Genomic context (GRCh38, chr7:116,759,362, plus strand): 5'-AGTGCAGGTGATTAAATTGAATCCCTCTCTTACAGTACTTGGTGGAAAGAACCTCTCAAC[A>G]TTGTCAGTTTTCTATTTTGCTTTGCCAGTGGTGGGAGCACAATAACAGGTGTTGGGAAAA-3'

ClinVar aggregate classification (germline): Uncertain significance. Review status: criteria provided, multiple submitters, no conflicts (2 of 4 stars). 2 submissions from 2 submitters: Uncertain significance (2). Last evaluated 2024-03-09.

Conditions:
Hereditary cancer-predisposing syndrome. Also called: Hereditary Cancer Syndrome; Hereditary neoplastic syndrome; Tumor predisposition; Neoplastic Syndromes, Hereditary. Identifiers: Orphanet 140162, MedGen C0027672, MeSH D009386, MONDO:0015356.
Renal cell carcinoma. Identifiers: Orphanet 217071, MedGen C0007134, MeSH D002292, MONDO:0005086, HP:0005584.

Submissions (2):

Ambry Genetics
Classification: Uncertain significance for Hereditary cancer-predisposing syndrome. Last evaluated: 2024-03-09. Review status: criteria provided, single submitter. Criteria: Ambry Variant Classification Scheme 2023. Collection method: clinical testing. Allele origin: germline.
Comment: The p.I764V variant (also known as c.2290A>G), located in coding exon 9 of the MET gene, results from an A to G substitution at nucleotide position 2290. The isoleucine at codon 764 is replaced by valine, an amino acid with highly similar properties. This amino acid position is conserved. In addition, this alteration is predicted to be tolerated by in silico analysis. Based on the available evidence, the clinical significance of this alteration remains unclear.

Labcorp Genetics (formerly Invitae), Labcorp
Classification: Uncertain significance for Renal cell carcinoma. Last evaluated: 2023-06-04. Review status: criteria provided, single submitter. Criteria: Invitae Variant Classification Sherloc (09022015). Collection method: clinical testing. Allele origin: germline.
Comment: This sequence change replaces isoleucine, which is neutral and non-polar, with valine, which is neutral and non-polar, at codon 764 of the MET protein (p.Ile764Val). This variant is not present in population databases (gnomAD no frequency). In summary, the available evidence is currently insufficient to determine the role of this variant in disease. Therefore, it has been classified as a Variant of Uncertain Significance. Algorithms developed to predict the effect of missense changes on protein structure and function output the following: SIFT: "Not Available"; PolyPhen-2: "Benign"; Align-GVGD: "Not Available". The valine amino acid residue is found in multiple mammalian species, which suggests that this missense change does not adversely affect protein function. This variant has not been reported in the literature in individuals affected with MET-related conditions.